The following is an entry in ClinVar:

NM_003128.3(SPTBN1):c.3355C>G (p.Gln1119Glu)

Gene: SPTBN1 (spectrin beta, non-erythrocytic 1; plus strand). Cytogenetic location: 2p16.2.
Variant type: single nucleotide variant.
Coding change: c.3355C>G on transcript NM_003128.3 (MANE Select); coding-DNA position 3355, C replaced by G.
Protein change: p.Gln1119Glu; replaces glutamine 1119 with glutamic acid.
Molecular consequence: missense variant.
Genome position (GRCh38, 1-based): chr2:54,631,402, C>G. VCF-style: chr2-54631402-C-G. GRCh37 (hg19) VCF-style: chr2-54858539-C-G.
Other names: c.3316C>G, p.Gln1106Glu (NM_178313.3); short protein forms Q1106E, Q1119E.
Identifiers: ClinVar variation 4882023 (VCV004882023.2).

ClinVar aggregate classification (germline): Uncertain significance (1 of 4 stars; one submission).

Submission:

Dasa
Classification: Uncertain significance. Last evaluated: 2025-11-19. Review status: criteria provided, single submitter. Criteria: DASA Assertion Criteria. Collection method: clinical testing. Allele origin: germline.
Comment: NM_003128.3(SPTBN1):c.3355C>G (p.Gln1119Glu) is a missense variant that results in the substitution of glutamine with glutamic acid. This variant is absent from population databases. The currently available literature and clinical evidence are not sufficient to establish a definitive association between this variant and the reported condition. Therefore, this variant is classified as a variant of uncertain significance.